The following is an entry in ClinVar:

ClinVar aggregate classification (germline): Likely benign. Review status: criteria provided, multiple submitters, no conflicts (2 of 4 stars). 3 submissions from 3 submitters: Likely benign (3). Last evaluated 2026-04-01.

Allele frequency attached by ClinVar (database versions not stated): gnomAD exomes 0.00028 and 0.00061; ExAC 0.00072; ESP Exome Variant Server 0.00231; 1000 Genomes Project 0.00240; 1000 Genomes Project 30x 0.00265; gnomAD 0.00272 and 0.00292; TOPMed 0.00309.
gnomAD v4.1: 828 of 1,613,846 alleles (0.051%); highest among the groups gnomAD compares: African/African-American, 0.97%; 8 homozygotes.

Submissions (3):

CeGaT Center for Human Genetics Tuebingen
Classification: Likely benign. Last evaluated: 2026-04-01. Review status: criteria provided, single submitter. Criteria: CeGaT Center For Human Genetics Tuebingen Variant Classification Criteria Version 2. Collection method: clinical testing. Allele origin: germline. Affected: yes. Observed: 4 variant alleles.
Comment: WDR11: BS1

GeneDx
Classification: Likely benign. Last evaluated: 2020-02-13. Review status: criteria provided, single submitter. Criteria: GeneDx Variant Classification Process June 2021. Collection method: clinical testing. Allele origin: germline. Affected: yes.
Comment: This variant is associated with the following publications: (PMID: 33227799)

Labcorp Genetics (formerly Invitae), Labcorp
Classification: Likely benign. Last evaluated: 2019-12-31. Review status: criteria provided, single submitter. Criteria: Invitae Variant Classification Sherloc (09022015). Collection method: clinical testing. Allele origin: germline.

NM_018117.12(WDR11):c.2303C>T (p.Ala768Val)

Gene: WDR11 (WD repeat domain 11; plus strand). Cytogenetic location: 10q26.12.
Variant type: single nucleotide variant.
Coding change: c.2303C>T on transcript NM_018117.12 (MANE Select); coding-DNA position 2303, C replaced by T.
Protein change: p.Ala768Val; replaces alanine 768 with valine.
Molecular consequence: missense variant.
Genome position (GRCh38, 1-based): chr10:120,889,969, C>T. VCF-style: chr10-120889969-C-T. GRCh37 (hg19) VCF-style: chr10-122649481-C-T.
Other names: short protein forms A768V.
Identifiers: ClinVar variation 713349 (VCV000713349.19), dbSNP rs150399543, ClinGen allele CA5719983.